The following is an entry in ClinVar:

NC_000007.14:g.(?_124870905)_(124897179_?)del

Gene: POT1 (protection of telomeres 1; minus strand). Cytogenetic location: 7q31.33.
Variant type: Deletion.
Identifiers: ClinVar variation 475010 (VCV000475010.1).

ClinVar aggregate classification (germline): Uncertain significance (1 of 4 stars; one submission).

Conditions:
Tumor predisposition syndrome 3 (TPDS3). Also called: Glioma susceptibility 9; LONG TELOMERE SYNDROME, POT1-RELATED; POT1 Tumor Predisposition; Melanoma, cutaneous malignant, susceptibility to, 10. Identifiers: Orphanet 618, MedGen C4014476, MONDO:0014368, OMIM 615848.

Submission:

Labcorp Genetics (formerly Invitae), Labcorp
Classification: Uncertain significance for Tumor predisposition syndrome 3. Last evaluated: 2017-07-28. Review status: criteria provided, single submitter. Criteria: Invitae Variant Classification Sherloc (09022015). Collection method: clinical testing. Allele origin: germline.
Comment: This variant is a gross deletion of the genomic region encompassing exons 5-7 of the POT1 gene, which includes the initiator codon. The 5' end of this event is unknown as it extends beyond the assayed region for this gene and therefore may encompass additional genes. The 3' boundary is likely confined to intron 7 of the POT1 gene. This is expected to result in an absent or disrupted protein product. This deletion has not been reported in the literature in individuals with POT1-related disease. The current clinical and genetic evidence is not sufficient to establish whether loss-of-function variants in POT1 cause disease. In summary, the available evidence is currently insufficient to determine the role of this variant in disease. Therefore, it has been classified as a Variant of Uncertain Significance.